The following is an entry in ClinVar:

ClinVar aggregate classification (germline): Likely pathogenic (1 of 4 stars; one submission).

Submission:

GeneDx
Classification: Likely pathogenic. Last evaluated: 2025-07-28. Review status: criteria provided, single submitter. Criteria: GeneDx Variant Classification Process June 2021. Collection method: clinical testing. Allele origin: germline. Affected: yes.
Comment: Has not been previously published as pathogenic or benign to our knowledge; Not observed at significant frequency in large population cohorts (gnomAD); Nonsense variant predicted to result in protein truncation or nonsense mediated decay in a gene for which loss of function is a known mechanism of disease

NM_004444.5(EPHB4):c.230G>A (p.Trp77Ter)

Gene: EPHB4 (EPH receptor B4; minus strand). Cytogenetic location: 7q22.1.
Variant type: single nucleotide variant.
Coding change: c.230G>A on transcript NM_004444.5 (MANE Select); coding-DNA position 230, G replaced by A.
Protein change: p.Trp77Ter; replaces tryptophan 77 with a stop codon.
Molecular consequence: nonsense.
Genome position (GRCh38, 1-based): chr7:100,823,825, C>T on the plus strand (G>A on the coding strand, the complement: EPHB4 is on the minus strand). VCF-style: chr7-100823825-C-T. GRCh37 (hg19) VCF-style: chr7-100421447-C-T.
Other names: short protein forms W77*.
Identifiers: ClinVar variation 4690070 (VCV004690070.1).